The following is an entry in ClinVar:

ClinVar aggregate classification (germline): Conflicting classifications of pathogenicity. Review status: criteria provided, conflicting classifications (1 of 4 stars). 2 submissions from 2 submitters: Uncertain significance (1); Likely benign (1). Last evaluated 2025-11-04.

Conditions:
Distal myopathy with posterior leg and anterior hand involvement. Also called: WILLIAMS DISTAL MYOPATHY. Identifiers: Orphanet 63273, MedGen C3279722, MONDO:0013550, OMIM 614065.
Myofibrillar myopathy 5. Also called: Filaminopathy (type); FILAMINOPATHY, AUTOSOMAL DOMINANT. Identifiers: Orphanet 171445, MedGen C1836050, MONDO:0012289, OMIM 609524.
Hypertrophic cardiomyopathy 26. Also called: Cardiomyopathy, familial hypertrophic, 26. Identifiers: Orphanet 75249, MedGen C4310749, MONDO:0014883, OMIM 617047.
Cardiovascular phenotype. Identifiers: MedGen CN230736.

Allele frequency attached by ClinVar (database versions not stated): gnomAD 0.00001; TOPMed 0.00002.
gnomAD v4.1: 18 of 1,613,578 alleles (0.0011%); highest among the groups gnomAD compares: Middle Eastern, 0.082%; 1 homozygote.

Submissions (2):

Labcorp Genetics (formerly Invitae), Labcorp
Classification: Likely benign for Distal myopathy with posterior leg and anterior hand involvement; Myofibrillar myopathy 5; Hypertrophic cardiomyopathy 26. Last evaluated: 2025-11-04. Review status: criteria provided, single submitter. Criteria: Invitae Variant Classification Sherloc (09022015). Collection method: clinical testing. Allele origin: germline.

Ambry Genetics
Classification: Uncertain significance for Cardiovascular phenotype. Last evaluated: 2025-08-28. Review status: criteria provided, single submitter. Criteria: Ambry Variant Classification Scheme 2023. Collection method: clinical testing. Allele origin: germline.
Comment: The p.R1627C variant (also known as c.4879C>T), located in coding exon 28 of the FLNC gene, results from a C to T substitution at nucleotide position 4879. The arginine at codon 1627 is replaced by cysteine, an amino acid with highly dissimilar properties. This amino acid position is conserved. In addition, the in silico prediction for this alteration is inconclusive. Since supporting evidence is limited at this time, the clinical significance of this alteration remains unclear.

NM_001458.5(FLNC):c.4879C>T (p.Arg1627Cys)

Gene: FLNC (filamin C; plus strand). Cytogenetic location: 7q32.1.
Variant type: single nucleotide variant.
Coding change: c.4879C>T on transcript NM_001458.5 (MANE Select); coding-DNA position 4879, C replaced by T.
Protein change: p.Arg1627Cys; replaces arginine 1627 with cysteine.
Molecular consequence: missense variant.
Genome position (GRCh38, 1-based): chr7:128,848,934, C>T. VCF-style: chr7-128848934-C-T. GRCh37 (hg19) VCF-style: chr7-128488988-C-T.
Other names: c.4879C>T, p.Arg1627Cys (NM_001127487.2); short protein forms R1627C.
Identifiers: ClinVar variation 472080 (VCV000472080.12), dbSNP rs760407609, ClinGen allele CA4475473.